The following is an entry in ClinVar:

ClinVar aggregate classification (germline): Uncertain significance (1 of 4 stars; one submission).

Conditions:
NCOA1-related disorder. Also called: NCOA1-related condition.

gnomAD v4.1: 19 of 1,613,928 alleles (0.0012%); highest among the groups gnomAD compares: Non-Finnish European, 0.0015%; no homozygotes.

Submission:

PreventionGenetics, part of Exact Sciences
Classification: Uncertain significance for NCOA1-related condition. Last evaluated: 2024-11-26. Review status: criteria provided, single submitter. Criteria: ACMG Guidelines, 2015. Collection method: clinical testing. Allele origin: germline.
Comment: The NCOA1 c.789G>A variant is predicted to result in the amino acid substitution p.Met263Ile. To our knowledge, this variant has not been reported in the literature. This variant is reported in 0.0044% of alleles in individuals of European (Non-Finnish) descent in gnomAD. At this time, the clinical significance of this variant is uncertain due to the absence of conclusive functional and genetic evidence.

NM_003743.5(NCOA1):c.789G>A (p.Met263Ile)

Gene: NCOA1 (nuclear receptor coactivator 1; plus strand). Cytogenetic location: 2p23.3.
Variant type: single nucleotide variant.
Coding change: c.789G>A on transcript NM_003743.5 (MANE Select); coding-DNA position 789, G replaced by A.
Protein change: p.Met263Ile; replaces methionine 263 with isoleucine.
Molecular consequence: missense variant.
Genome position (GRCh38, 1-based): chr2:24,693,328, G>A. VCF-style: chr2-24693328-G-A. GRCh37 (hg19) VCF-style: chr2-24916197-G-A.
Other names: c.789G>A, p.Met263Ile (NM_001362950.1, NM_001362952.1, NM_001362954.1 and 3 more transcripts); short protein forms M263I.
Identifiers: ClinVar variation 4978384 (VCV004978384.1).